The following is an entry in ClinVar:

NM_001367479.1(DNAH14):c.6439+5G>A

Gene: DNAH14 (dynein axonemal heavy chain 14; plus strand). Cytogenetic location: 1q42.12.
Variant type: single nucleotide variant.
Coding change: c.6439+5G>A on transcript NM_001367479.1 (MANE Select); 5 bases into the intron after coding-DNA position 6439, G replaced by A.
Molecular consequence: intron variant.
Genome position (GRCh38, 1-based): chr1:225,207,225, G>A. VCF-style: chr1-225207225-G-A. GRCh37 (hg19) VCF-style: chr1-225394927-G-A.
Identifiers: ClinVar variation 4077271 (VCV004077271.1).

ClinVar aggregate classification (germline): Uncertain significance (1 of 4 stars; one submission).

gnomAD v4.1: 2 of 1,504,644 alleles (0.00013%); highest among the groups gnomAD compares: African/African-American, 0.0028%; no homozygotes.

Submission:

GeneDx
Classification: Uncertain significance. Last evaluated: 2025-02-27. Review status: criteria provided, single submitter. Criteria: GeneDx Variant Classification Process June 2021. Collection method: clinical testing. Allele origin: germline. Affected: yes.
Comment: Not observed at significant frequency in large population cohorts (gnomAD); In silico analysis supports a deleterious effect on splicing; Has not been previously published as pathogenic or benign to our knowledge